The following is an entry in ClinVar:

NM_000038.6(APC):c.2482A>T (p.Thr828Ser)

Gene: APC (APC regulator of Wnt signaling pathway; plus strand). Cytogenetic location: 5q22.2.
Variant type: single nucleotide variant.
Coding change: c.2482A>T on transcript NM_000038.6 (MANE Select); coding-DNA position 2482, A replaced by T.
Protein change: p.Thr828Ser; replaces threonine 828 with serine.
Molecular consequence: missense variant. On other transcripts: non-coding transcript variant (2).
Genome position (GRCh38, 1-based): chr5:112,838,076, A>T. VCF-style: chr5-112838076-A-T. GRCh37 (hg19) VCF-style: chr5-112173773-A-T.
Other names: c.2482A>T, p.Thr828Ser (NM_001127510.3, NM_001354895.2, NM_001407450.1); c.2428A>T, p.Thr810Ser (NM_001127511.3); c.2536A>T, p.Thr846Ser (NM_001354896.2, NM_001407447.1, NM_001407448.1 and 1 more transcripts); c.2512A>T, p.Thr838Ser (NM_001354897.2); c.2407A>T, p.Thr803Ser (NM_001354898.2); c.2398A>T, p.Thr800Ser (NM_001354899.2); c.2359A>T, p.Thr787Ser (NM_001354900.2); c.2305A>T, p.Thr769Ser (NM_001354901.2, NM_001407453.1); and 11 more; short protein forms T668S, T769S, T800S, T444S, T727S, T737S, T787S, T818S.
Identifiers: ClinVar variation 3412429 (VCV003412429.1).

ClinVar aggregate classification (germline): Uncertain significance (1 of 4 stars; one submission).

Conditions:
Hereditary cancer-predisposing syndrome. Also called: Neoplastic Syndromes, Hereditary; Tumor predisposition; Hereditary Cancer Syndrome; Hereditary neoplastic syndrome. Identifiers: Orphanet 140162, MedGen C0027672, MeSH D009386, MONDO:0015356.

Submission:

Ambry Genetics
Classification: Uncertain significance for Hereditary cancer-predisposing syndrome. Last evaluated: 2024-11-21. Review status: criteria provided, single submitter. Criteria: Ambry Variant Classification Scheme 2023. Collection method: clinical testing. Allele origin: germline.
Comment: The p.T828S variant (also known as c.2482A>T), located in coding exon 15 of the APC gene, results from an A to T substitution at nucleotide position 2482. The threonine at codon 828 is replaced by serine, an amino acid with similar properties. This amino acid position is conserved. In addition, in silico predictors for this gene do not accurately predict pathogenicity. Based on the available evidence, the clinical significance of this variant remains unclear.